The following is an entry in ClinVar:

ClinVar aggregate classification (germline): Uncertain significance (1 of 4 stars; one submission).

Allele frequency attached by ClinVar (database versions not stated): gnomAD exomes below 0.00001; gnomAD 0.00001; TOPMed 0.00001.
gnomAD v4.1: 2 of 1,611,538 alleles (0.00012%); highest among the groups gnomAD compares: Admixed American, 0.0033%; no homozygotes.

Submission:

Labcorp Genetics (formerly Invitae), Labcorp
Classification: Uncertain significance. Last evaluated: 2023-03-08. Review status: criteria provided, single submitter. Criteria: Invitae Variant Classification Sherloc (09022015). Collection method: clinical testing. Allele origin: germline.
Comment: This sequence change replaces arginine, which is basic and polar, with methionine, which is neutral and non-polar, at codon 1571 of the PHIP protein (p.Arg1571Met). This variant is present in population databases (no rsID available, gnomAD 0.003%). This variant has not been reported in the literature in individuals affected with PHIP-related conditions. Advanced modeling of protein sequence and biophysical properties (such as structural, functional, and spatial information, amino acid conservation, physicochemical variation, residue mobility, and thermodynamic stability) performed at Invitae indicates that this missense variant is not expected to disrupt PHIP protein function. In summary, the available evidence is currently insufficient to determine the role of this variant in disease. Therefore, it has been classified as a Variant of Uncertain Significance.

NM_017934.7(PHIP):c.4712G>T (p.Arg1571Met)

Genes: IRAK1BP1 (interleukin 1 receptor associated kinase 1 binding protein 1; plus strand), PHIP (PHIP subunit of CUL4-Ring ligase complex; minus strand). Cytogenetic location: 6q14.1.
Variant type: single nucleotide variant.
Coding change: c.4712G>T on transcript NM_017934.7 (MANE Select); coding-DNA position 4712, G replaced by T.
Protein change: p.Arg1571Met; replaces arginine 1571 with methionine.
Molecular consequence: missense variant.
Genome position (GRCh38, 1-based): chr6:78,945,416, C>A on the plus strand (G>T on the coding strand, the complement: PHIP is on the minus strand). VCF-style: chr6-78945416-C-A. GRCh37 (hg19) VCF-style: chr6-79655133-C-A.
Other names: short protein forms R1571M.
Identifiers: ClinVar variation 2844078 (VCV002844078.3), dbSNP rs1473065581, ClinGen allele CA364635454.